The following is an entry in ClinVar:

NM_006206.6(PDGFRA):c.1831A>G (p.Thr611Ala)

Gene: PDGFRA (platelet derived growth factor receptor alpha; plus strand). Cytogenetic location: 4q12.
Variant type: single nucleotide variant.
Coding change: c.1831A>G on transcript NM_006206.6 (MANE Select); coding-DNA position 1831, A replaced by G.
Protein change: p.Thr611Ala; replaces threonine 611 with alanine.
Molecular consequence: missense variant.
Genome position (GRCh38, 1-based): chr4:54,277,432, A>G. VCF-style: chr4-54277432-A-G. GRCh37 (hg19) VCF-style: chr4-55143599-A-G.
Other names: c.1831A>G, p.Thr611Ala (NM_001347827.2, NM_001347829.2); c.1906A>G, p.Thr636Ala (NM_001347828.2); c.1870A>G, p.Thr624Ala (NM_001347830.2); short protein forms T611A, T624A, T636A.
Identifiers: ClinVar variation 860260 (VCV000860260.10), dbSNP rs1723798984, ClinGen allele CA356893418.

ClinVar aggregate classification (germline): Uncertain significance (1 of 4 stars; one submission).

Conditions:
Gastrointestinal stromal tumor. Also called: Gastrointestinal stromal tumor, somatic; Gastrointestinal stroma tumor. Identifiers: Orphanet 44890, MedGen C0238198, MeSH D046152, MONDO:0011719, OMIM 606764, HP:0100723.

Submission:

Labcorp Genetics (formerly Invitae), Labcorp
Classification: Uncertain significance for Gastrointestinal stromal tumor. Last evaluated: 2025-04-28. Review status: criteria provided, single submitter. Criteria: Invitae Variant Classification Sherloc (09022015). Collection method: clinical testing. Allele origin: germline.
Comment: This sequence change replaces threonine, which is neutral and polar, with alanine, which is neutral and non-polar, at codon 611 of the PDGFRA protein (p.Thr611Ala). This variant is not present in population databases (gnomAD no frequency). This variant has not been reported in the literature in individuals affected with PDGFRA-related conditions. ClinVar contains an entry for this variant (Variation ID: 860260). Invitae Evidence Modeling of protein sequence and biophysical properties (such as structural, functional, and spatial information, amino acid conservation, physicochemical variation, residue mobility, and thermodynamic stability) indicates that this missense variant is not expected to disrupt PDGFRA protein function with a negative predictive value of 80%. In summary, the available evidence is currently insufficient to determine the role of this variant in disease. Therefore, it has been classified as a Variant of Uncertain Significance.